The following is an entry in ClinVar:

ClinVar aggregate classification (germline): Uncertain significance. Review status: criteria provided, multiple submitters, no conflicts (2 of 4 stars). 2 submissions from 2 submitters: Uncertain significance (2). Last evaluated 2024-07-15.

Conditions:
Hypertrophic cardiomyopathy 1 (CMH1). Also called: MYH7-Related Familial Hypertrophic Cardiomyopathy; Familial hypertrophic cardiomyopathy 1. Identifiers: MedGen C3495498, MONDO:0008647, OMIM 192600.

Allele frequency attached by ClinVar (database versions not stated): ExAC 0.00001; gnomAD 0.00001; TOPMed 0.00001.

Submissions (2):

Labcorp Genetics (formerly Invitae), Labcorp
Classification: Uncertain significance for Hypertrophic cardiomyopathy 1. Last evaluated: 2024-07-15. Review status: criteria provided, single submitter. Criteria: Invitae Variant Classification Sherloc (09022015). Collection method: clinical testing. Allele origin: germline.
Comment: This sequence change replaces methionine, which is neutral and non-polar, with threonine, which is neutral and polar, at codon 359 of the MYLK2 protein (p.Met359Thr). This variant is present in population databases (rs752716920, gnomAD 0.0009%). This variant has not been reported in the literature in individuals affected with MYLK2-related conditions. Advanced modeling of protein sequence and biophysical properties (such as structural, functional, and spatial information, amino acid conservation, physicochemical variation, residue mobility, and thermodynamic stability) has been performed at Invitae for this missense variant, however the output from this modeling did not meet the statistical confidence thresholds required to predict the impact of this variant on MYLK2 protein function. In summary, the available evidence is currently insufficient to determine the role of this variant in disease. Therefore, it has been classified as a Variant of Uncertain Significance.

Fulgent Genetics
Classification: Uncertain significance for Hypertrophic cardiomyopathy 1. Last evaluated: 2024-05-01. Review status: criteria provided, single submitter. Criteria: ACMG Guidelines, 2015. Collection method: clinical testing. Allele origin: germline.

NM_033118.4(MYLK2):c.1076T>C (p.Met359Thr)

Gene: MYLK2 (myosin light chain kinase 2; plus strand). Cytogenetic location: 20q11.21.
Variant type: single nucleotide variant.
Coding change: c.1076T>C on transcript NM_033118.4 (MANE Select); coding-DNA position 1076, T replaced by C.
Protein change: p.Met359Thr; replaces methionine 359 with threonine.
Molecular consequence: missense variant.
Genome position (GRCh38, 1-based): chr20:31,826,708, T>C. VCF-style: chr20-31826708-T-C. GRCh37 (hg19) VCF-style: chr20-30414511-T-C.
Other names: short protein forms M359T.
Identifiers: ClinVar variation 2751310 (VCV002751310.4), dbSNP rs752716920, ClinGen allele CA9803094.